The following is an entry in ClinVar:

ClinVar aggregate classification (germline): Uncertain significance (1 of 4 stars; one submission).

Conditions:
Severe combined immunodeficiency due to CORO1A deficiency. Also called: Immunodeficiency 8; IMMUNODEFICIENCY 8 WITH LYMPHOPROLIFERATION. Identifiers: Orphanet 228003, MedGen C3809383, MONDO:0014168, OMIM 615401.

Allele frequency attached by ClinVar (database versions not stated): gnomAD exomes below 0.00001.

Submission:

Labcorp Genetics (formerly Invitae), Labcorp
Classification: Uncertain significance for Severe combined immunodeficiency due to CORO1A deficiency. Last evaluated: 2020-03-07. Review status: criteria provided, single submitter. Criteria: Invitae Variant Classification Sherloc (09022015). Collection method: clinical testing. Allele origin: germline.
Comment: This sequence change replaces arginine with histidine at codon 325 of the CORO1A protein (p.Arg325His). The arginine residue is highly conserved and there is a small physicochemical difference between arginine and histidine. This variant is not present in population databases (ExAC no frequency). This variant has not been reported in the literature in individuals with CORO1A-related conditions. Algorithms developed to predict the effect of missense changes on protein structure and function (SIFT, PolyPhen-2, Align-GVGD) all suggest that this variant is likely to be disruptive, but these predictions have not been confirmed by published functional studies and their clinical significance is uncertain. In summary, the available evidence is currently insufficient to determine the role of this variant in disease. Therefore, it has been classified as a Variant of Uncertain Significance.

NM_007074.4(CORO1A):c.974G>A (p.Arg325His)

Gene: CORO1A (coronin 1A; plus strand). Cytogenetic location: 16p11.2.
Variant type: single nucleotide variant.
Coding change: c.974G>A on transcript NM_007074.4 (MANE Select); coding-DNA position 974, G replaced by A.
Protein change: p.Arg325His; replaces arginine 325 with histidine.
Molecular consequence: missense variant.
Genome position (GRCh38, 1-based): chr16:30,188,054, G>A. VCF-style: chr16-30188054-G-A. GRCh37 (hg19) VCF-style: chr16-30199375-G-A.
Other names: c.974G>A, p.Arg325His (NM_001193333.3); c.974G>A (NM_007074.3); short protein forms R325H.
Identifiers: ClinVar variation 1013794 (VCV001013794.10), dbSNP rs1218173437, ClinGen allele CA395497808.